The following is an entry in ClinVar:

NM_000263.4(NAGLU):c.212G>C (p.Gly71Ala)

Genes: NAGLU (N-acetyl-alpha-glucosaminidase; plus strand), LOC130060903 (ATAC-STARR-seq lymphoblastoid silent region 8533; plus strand). Cytogenetic location: 17q21.2.
Variant type: single nucleotide variant.
Coding change: c.212G>C on transcript NM_000263.4 (MANE Select); coding-DNA position 212, G replaced by C.
Protein change: p.Gly71Ala; replaces glycine 71 with alanine.
Molecular consequence: missense variant.
Genome position (GRCh38, 1-based): chr17:42,536,484, G>C. VCF-style: chr17-42536484-G-C. GRCh37 (hg19) VCF-style: chr17-40688502-G-C.
Other names: short protein forms G71A.
Identifiers: ClinVar variation 1523880 (VCV001523880.4), dbSNP rs1329966515, ClinGen allele CA399595668.

ClinVar aggregate classification (germline): Uncertain significance (1 of 4 stars; one submission).

Conditions:
Mucopolysaccharidosis, MPS-III-B (MPS3B). Also called: N-ACETYL-ALPHA-D-GLUCOSAMINIDASE DEFICIENCY; NAGLU DEFICIENCY; SANFILIPPO SYNDROME B; MPS III B; MPS IIIB (Sanfilippo Syndrome Type B); MUCOPOLYSACCHARIDOSIS, TYPE IIIB. Identifiers: Orphanet 79270, MedGen C0086648, MONDO:0009656, OMIM 252920.
Charcot-Marie-Tooth disease axonal type 2V. Also called: CHARCOT-MARIE-TOOTH NEUROPATHY, TYPE 2V; CHARCOT-MARIE-TOOTH DISEASE, AXONAL, AUTOSOMAL DOMINANT, TYPE 2V. Identifiers: Orphanet 447964, MedGen C5569050, MONDO:0014665, OMIM 616491.

Allele frequency attached by ClinVar (database versions not stated): gnomAD 0.00001; TOPMed below 0.00001.
gnomAD v4.1: 2 of 1,216,380 alleles (0.00016%); highest among the groups gnomAD compares: African/African-American, 0.0032%; no homozygotes.

Submission:

Labcorp Genetics (formerly Invitae), Labcorp
Classification: Uncertain significance for Charcot-Marie-Tooth disease axonal type 2V; Mucopolysaccharidosis, MPS-III-B. Last evaluated: 2021-10-09. Review status: criteria provided, single submitter. Criteria: Invitae Variant Classification Sherloc (09022015). Collection method: clinical testing. Allele origin: germline.
Comment: This variant has not been reported in the literature in individuals affected with NAGLU-related conditions. The frequency data for this variant in the population databases is considered unreliable, as metrics indicate insufficient coverage at this position in the ExAC database. This sequence change replaces glycine with alanine at codon 71 of the NAGLU protein (p.Gly71Ala). The glycine residue is moderately conserved and there is a small physicochemical difference between glycine and alanine. Advanced modeling of protein sequence and biophysical properties (such as structural, functional, and spatial information, amino acid conservation, physicochemical variation, residue mobility, and thermodynamic stability) performed at Invitae indicates that this missense variant is not expected to disrupt NAGLU protein function. In summary, the available evidence is currently insufficient to determine the role of this variant in disease. Therefore, it has been classified as a Variant of Uncertain Significance.